The following is an entry in ClinVar:

NM_006258.4(PRKG1):c.1313+194T>C

Gene: PRKG1 (protein kinase cGMP-dependent 1; plus strand). Cytogenetic location: 10q21.1.
Variant type: single nucleotide variant.
Coding change: c.1313+194T>C on transcript NM_006258.4 (MANE Select); 194 bases into the intron after coding-DNA position 1313, T replaced by C.
Molecular consequence: intron variant.
Genome position (GRCh38, 1-based): chr10:52,271,683, T>C. VCF-style: chr10-52271683-T-C. GRCh37 (hg19) VCF-style: chr10-54031443-T-C.
Other names: c.1268+194T>C (NM_001098512.3).
Identifiers: ClinVar variation 674715 (VCV000674715.1), dbSNP rs1194516, ClinGen allele CA207399810.

ClinVar aggregate classification (germline): Benign (1 of 4 stars; one submission).

Allele frequency attached by ClinVar (database versions not stated): TOPMed 0.89263; gnomAD 0.89799 and 0.90151; 1000 Genomes Project 30x 0.90397; 1000 Genomes Project 0.90735.
gnomAD v4.1: 137,182 of 152,140 alleles (90%); highest among the groups gnomAD compares: East Asian, 100%; 62,279 homozygotes.

Submission:

GeneDx
Classification: Benign. Last evaluated: 2018-06-14. Review status: criteria provided, single submitter. Criteria: GeneDx Variant Classification (06012015). Collection method: clinical testing. Allele origin: germline. Affected: yes.
Comment: This variant is considered likely benign or benign based on one or more of the following criteria: it is a conservative change, it occurs at a poorly conserved position in the protein, it is predicted to be benign by multiple in silico algorithms, and/or has population frequency not consistent with disease.